The following is an entry in ClinVar:

ClinVar aggregate classification (germline): Pathogenic/Likely pathogenic. Review status: criteria provided, multiple submitters, no conflicts (2 of 4 stars). 5 submissions from 5 submitters: Pathogenic (3); Likely pathogenic (1). 1 of the submissions does not count toward it. Last evaluated 2026-05-01.

Conditions:
Bardet-Biedl syndrome (BBS). Identifiers: Orphanet 110, MedGen C0752166, MONDO:0015229.
Bardet-Biedl syndrome 12 (BBS12). Identifiers: Orphanet 110, MedGen C1859570, MONDO:0014440, OMIM 615989.

Allele frequency attached by ClinVar (database versions not stated): gnomAD exomes below 0.00001.
gnomAD v4.1: 6 of 1,605,398 alleles (0.00037%); highest among the groups gnomAD compares: Non-Finnish European, 0.00051%; no homozygotes.

Submissions (5):

Women's Health and Genetics/Laboratory Corporation of America, LabCorp
Classification: Pathogenic for Bardet-Biedl syndrome. Last evaluated: 2026-05-01. Review status: criteria provided, single submitter. Criteria: LabCorp Variant Classification Summary - May 2015. Collection method: clinical testing. Allele origin: germline.
Comment: Variant summary: BBS12 c.1949C>G (p.Ser650X) results in a premature termination codon, predicted to cause a truncation of the encoded protein. The variant was absent in 243502 control chromosomes. To our knowledge, no occurrence of c.1949C>G in individuals affected with BBS12-related conditions and no experimental evidence demonstrating its impact on protein function have been reported. However, variants downstream of this position have been classified as likely pathogenic/pathogenic in ClinVar. ClinVar contains an entry for this variant (Variation ID: 553671). Based on the evidence outlined above, the variant was classified as pathogenic.

Labcorp Genetics (formerly Invitae), Labcorp
Classification: Pathogenic for Bardet-Biedl syndrome. Last evaluated: 2026-01-19. Review status: criteria provided, single submitter. Criteria: Invitae Variant Classification Sherloc (09022015). Collection method: clinical testing. Allele origin: germline.
Comment: This sequence change creates a premature translational stop signal (p.Ser650*) in the BBS12 gene. While this is not anticipated to result in nonsense mediated decay, it is expected to disrupt the last 61 amino acid(s) of the BBS12 protein. This variant is not present in population databases (gnomAD no frequency). This variant has not been reported in the literature in individuals affected with BBS12-related conditions. ClinVar contains an entry for this variant (Variation ID: 553671). This variant disrupts a region of the BBS12 protein in which other variant(s) (p.Arg675*) have been determined to be pathogenic (PMID: 20827784, 21642631). This suggests that this is a clinically significant region of the protein, and that variants that disrupt it are likely to be disease-causing. For these reasons, this variant has been classified as Pathogenic.

Natera, Inc.
Classification: Likely pathogenic for Bardet-Biedl syndrome type 12. Last evaluated: 2025-03-27. Review status: criteria provided, single submitter. Criteria: Natera Variant Classification Schema (03/2026). Collection method: clinical testing. Allele origin: germline.
Comment: The c.1949C>G variant in BBS12 is a nonsense variant predicted to introduce a stop codon at amino acid 650. This variant is expected to result in nonsense mediated decay, truncation, or a dysfunctional protein product. This variant is rare in the general population with a frequency below the threshold expected for the associated phenotype(s). Given the available evidence, this variant is classified as Likely Pathogenic.

Fulgent Genetics
Classification: Pathogenic for Bardet-Biedl syndrome 12. Last evaluated: 2018-10-31. Review status: criteria provided, single submitter. Criteria: ACMG Guidelines, 2015. Collection method: clinical testing. Allele origin: unknown.

Counsyl
Classification: Likely pathogenic for Bardet-Biedl syndrome 12. Last evaluated: 2017-09-12. Review status: no assertion criteria provided. Collection method: clinical testing. Allele origin: unknown. Not counted in ClinVar's aggregate classification.

Literature cited by the submitters: PubMed 20827784 (cited by Labcorp Genetics (formerly Invitae), Labcorp); PubMed 21642631 (cited by Labcorp Genetics (formerly Invitae), Labcorp).

NM_152618.3(BBS12):c.1949C>G (p.Ser650Ter)

Gene: BBS12 (Bardet-Biedl syndrome 12; plus strand). Cytogenetic location: 4q27.
Variant type: single nucleotide variant.
Coding change: c.1949C>G on transcript NM_152618.3 (MANE Select); coding-DNA position 1949, C replaced by G.
Protein change: p.Ser650Ter; replaces serine 650 with a stop codon.
Molecular consequence: nonsense.
Genome position (GRCh38, 1-based): chr4:122,743,841, C>G. VCF-style: chr4-122743841-C-G. GRCh37 (hg19) VCF-style: chr4-123664996-C-G.
Other names: c.1949C>G, p.Ser650Ter (NM_001178007.2); short protein forms S650*.
Identifiers: ClinVar variation 553671 (VCV000553671.8), dbSNP rs1553941580, ClinGen allele CA358226233.
Genomic context (GRCh38, chr4:122,743,841, plus strand): 5'-GCTCTCCTTCATCTTACATCTTGAATGAATATAGTAAACTAAATAGTAGAATTTTTAATT[C>G]AGACATTTCAAATAAACTGGAGCAGATTCCGAGAGTTTATGACGTTGTTACACCAAAGAT-3'